The following is an entry in ClinVar:

ClinVar aggregate classification (germline): Uncertain significance (1 of 4 stars; one submission).

gnomAD v4.1: 4 of 1,601,220 alleles (0.00025%); highest among the groups gnomAD compares: Non-Finnish European, 0.00034%; no homozygotes.

Submission:

Women's Health and Genetics/Laboratory Corporation of America, LabCorp
Classification: Uncertain significance. Last evaluated: 2025-03-12. Review status: criteria provided, single submitter. Criteria: LabCorp Variant Classification Summary - May 2015. Collection method: clinical testing. Allele origin: germline.
Comment: Variant summary: POLG2 c.-11T>C is located in the untranslated mRNA region upstream of the initiation codon. The variant allele was found at a frequency of 1.2e-05 in 241984 control chromosomes. The available data on variant occurrences in the general population are insufficient to allow any conclusion about variant significance. To our knowledge, no occurrence of c.-11T>C in individuals affected with POLG2-Related Disorder and no experimental evidence demonstrating its impact on protein function have been reported. No submitters have cited clinical-significance assessments for this variant to ClinVar. Based on the evidence outlined above, the variant was classified as uncertain significance.

NM_007215.4(POLG2):c.-11T>C

Genes: MILR1 (mast cell immunoglobulin like receptor 1; plus strand), POLG2 (DNA polymerase gamma 2, accessory subunit; minus strand). Cytogenetic location: 17q23.3.
Variant type: single nucleotide variant.
Coding change: c.-11T>C on transcript NM_007215.4 (MANE Select); 11 bases upstream of the start codon, T replaced by C.
Molecular consequence: 5 prime UTR variant.
Genome position (GRCh38, 1-based): chr17:64,496,979, A>G on the plus strand (T>C on the coding strand, the complement: POLG2 is on the minus strand). VCF-style: chr17-64496979-A-G. GRCh37 (hg19) VCF-style: chr17-62493097-A-G.
Identifiers: ClinVar variation 3895692 (VCV003895692.1).